The following is an entry in ClinVar:

NM_001363711.2(DUOX2):c.2481G>C (p.Met827Ile)

Gene: DUOX2 (dual oxidase 2; minus strand). Cytogenetic location: 15q21.1.
Variant type: single nucleotide variant.
Coding change: c.2481G>C on transcript NM_001363711.2 (MANE Select); coding-DNA position 2481, G replaced by C.
Protein change: p.Met827Ile; replaces methionine 827 with isoleucine.
Molecular consequence: missense variant.
Genome position (GRCh38, 1-based): chr15:45,104,219, C>G on the plus strand (G>C on the coding strand, the complement: DUOX2 is on the minus strand). VCF-style: chr15-45104219-C-G. GRCh37 (hg19) VCF-style: chr15-45396417-C-G.
Other names: c.2481G>C (NM_014080.4); c.2481G>C, p.Met827Ile (NM_014080.5); short protein forms M827I.
Identifiers: ClinVar variation 2990535 (VCV002990535.4), dbSNP rs2504761418, ClinGen allele CA392269600.

ClinVar aggregate classification (germline): Uncertain significance. Review status: criteria provided, multiple submitters, no conflicts (2 of 4 stars). 2 submissions from 2 submitters: Uncertain significance (2). Last evaluated 2025-02-03.

Conditions:
Inborn genetic diseases. Identifiers: MedGen C0950123, MeSH D030342.

Submissions (2):

Labcorp Genetics (formerly Invitae), Labcorp
Classification: Uncertain significance. Last evaluated: 2025-02-03. Review status: criteria provided, single submitter. Criteria: Invitae Variant Classification Sherloc (09022015). Collection method: clinical testing. Allele origin: germline.
Comment: This sequence change replaces methionine, which is neutral and non-polar, with isoleucine, which is neutral and non-polar, at codon 827 of the DUOX2 protein (p.Met827Ile). This variant is not present in population databases (gnomAD no frequency). This variant has not been reported in the literature in individuals affected with DUOX2-related conditions. ClinVar contains an entry for this variant (Variation ID: 2990535). Invitae Evidence Modeling of protein sequence and biophysical properties (such as structural, functional, and spatial information, amino acid conservation, physicochemical variation, residue mobility, and thermodynamic stability) indicates that this missense variant is not expected to disrupt DUOX2 protein function with a negative predictive value of 80%. In summary, the available evidence is currently insufficient to determine the role of this variant in disease. Therefore, it has been classified as a Variant of Uncertain Significance.

Ambry Genetics
Classification: Uncertain significance for Inborn genetic diseases. Last evaluated: 2024-10-03. Review status: criteria provided, single submitter. Criteria: Ambry Variant Classification Scheme 2023. Collection method: clinical testing. Allele origin: germline.